The following is an entry in ClinVar:

NM_000520.6(HEXA):c.16C>A (p.Leu6Ile)

Gene: HEXA (hexosaminidase subunit alpha; minus strand). Cytogenetic location: 15q23.
Variant type: single nucleotide variant.
Coding change: c.16C>A on transcript NM_000520.6 (MANE Select); coding-DNA position 16, C replaced by A.
Protein change: p.Leu6Ile; replaces leucine 6 with isoleucine.
Molecular consequence: missense variant. On other transcripts: non-coding transcript variant (1).
Genome position (GRCh38, 1-based): chr15:72,375,957, G>T on the plus strand (C>A on the coding strand, the complement: HEXA is on the minus strand). VCF-style: chr15-72375957-G-T. GRCh37 (hg19) VCF-style: chr15-72668298-G-T.
Other names: c.16C>A, p.Leu6Ile (NM_001318825.2); c.16C>A (NM_000520.4); short protein forms L6I.
Identifiers: ClinVar variation 1404436 (VCV001404436.6), dbSNP rs1167125379, ClinGen allele CA393070855.

ClinVar aggregate classification (germline): Uncertain significance. Review status: criteria provided, multiple submitters, no conflicts (2 of 4 stars). 2 submissions from 2 submitters: Uncertain significance (2). Last evaluated 2025-06-07.

Conditions:
Inborn genetic diseases. Identifiers: MedGen C0950123, MeSH D030342.
Tay-Sachs disease (TSD). Also called: HEXA DEFICIENCY; GM2 gangliosidosis, type 1; Hexosaminidase alpha-subunit deficiency (variant B); Sphingolipidosis, Tay-Sachs; Hexosaminidase A Deficiency; HEXA Disorders. Identifiers: Orphanet 845, MedGen C0039373, MONDO:0010100, OMIM 272800.

Allele frequency attached by ClinVar (database versions not stated): gnomAD exomes 0.00003; TOPMed below 0.00001.
gnomAD v4.1: 21 of 1,613,968 alleles (0.0013%); highest among the groups gnomAD compares: Non-Finnish European, 0.0017%; no homozygotes.

Submissions (2):

Ambry Genetics
Classification: Uncertain significance for Inborn genetic diseases. Last evaluated: 2025-06-07. Review status: criteria provided, single submitter. Criteria: Ambry Variant Classification Scheme 2023. Collection method: clinical testing. Allele origin: germline.

Labcorp Genetics (formerly Invitae), Labcorp
Classification: Uncertain significance for Tay-Sachs disease. Last evaluated: 2022-10-26. Review status: criteria provided, single submitter. Criteria: Invitae Variant Classification Sherloc (09022015). Collection method: clinical testing. Allele origin: germline.
Comment: This sequence change replaces leucine, which is neutral and non-polar, with isoleucine, which is neutral and non-polar, at codon 6 of the HEXA protein (p.Leu6Ile). This variant is not present in population databases (gnomAD no frequency). This variant has not been reported in the literature in individuals affected with HEXA-related conditions. ClinVar contains an entry for this variant (Variation ID: 1404436). Advanced modeling of protein sequence and biophysical properties (such as structural, functional, and spatial information, amino acid conservation, physicochemical variation, residue mobility, and thermodynamic stability) has been performed at Invitae for this missense variant, however the output from this modeling did not meet the statistical confidence thresholds required to predict the impact of this variant on HEXA protein function. In summary, the available evidence is currently insufficient to determine the role of this variant in disease. Therefore, it has been classified as a Variant of Uncertain Significance.